The following is an entry in ClinVar:

ClinVar aggregate classification (germline): Uncertain significance (1 of 4 stars; one submission).

Conditions:
Hereditary cancer-predisposing syndrome. Also called: Neoplastic Syndromes, Hereditary; Tumor predisposition; Hereditary neoplastic syndrome; Hereditary Cancer Syndrome. Identifiers: Orphanet 140162, MedGen C0027672, MeSH D009386, MONDO:0015356.

Submission:

Ambry Genetics
Classification: Uncertain significance for Hereditary cancer-predisposing syndrome. Last evaluated: 2022-12-22. Review status: criteria provided, single submitter. Criteria: Ambry Variant Classification Scheme 2023. Collection method: clinical testing. Allele origin: germline.
Comment: The p.D777Y variant (also known as c.2329G>T), located in coding exon 15 of the APC gene, results from a G to T substitution at nucleotide position 2329. The aspartic acid at codon 777 is replaced by tyrosine, an amino acid with highly dissimilar properties. This amino acid position is conserved. In addition, in silico predictors for this gene do not accurately predict pathogenicity. Since supporting evidence is limited at this time, the clinical significance of this alteration remains unclear.

NM_000038.6(APC):c.2329G>T (p.Asp777Tyr)

Gene: APC (APC regulator of Wnt signaling pathway; plus strand). Cytogenetic location: 5q22.2.
Variant type: single nucleotide variant.
Coding change: c.2329G>T on transcript NM_000038.6 (MANE Select); coding-DNA position 2329, G replaced by T.
Protein change: p.Asp777Tyr; replaces aspartic acid 777 with tyrosine.
Molecular consequence: missense variant. On other transcripts: non-coding transcript variant (2).
Genome position (GRCh38, 1-based): chr5:112,837,923, G>T. VCF-style: chr5-112837923-G-T. GRCh37 (hg19) VCF-style: chr5-112173620-G-T.
Other names: c.2329G>T, p.Asp777Tyr (NM_001127510.3, NM_001354895.2, NM_001407450.1); c.2275G>T, p.Asp759Tyr (NM_001127511.3); c.2383G>T, p.Asp795Tyr (NM_001354896.2, NM_001407447.1, NM_001407448.1 and 1 more transcripts); c.2359G>T, p.Asp787Tyr (NM_001354897.2); c.2254G>T, p.Asp752Tyr (NM_001354898.2); c.2245G>T, p.Asp749Tyr (NM_001354899.2); c.2206G>T, p.Asp736Tyr (NM_001354900.2); c.2152G>T, p.Asp718Tyr (NM_001354901.2, NM_001407453.1); and 11 more; short protein forms D494Y, D694Y, D749Y, D759Y, D767Y, D787Y, D805Y, D393Y.
Identifiers: ClinVar variation 2452705 (VCV002452705.2), dbSNP rs1176994439, ClinGen allele CA16026442.